The following is an entry in ClinVar:

NM_002439.5(MSH3):c.430_432del (p.Ser144del)

Gene: MSH3 (mutS homolog 3; plus strand). Cytogenetic location: 5q14.1.
Variant type: Deletion.
Coding change: c.430_432del on transcript NM_002439.5 (MANE Select); coding-DNA positions 430 to 432, 3 bases deleted (TCT; older notation c.430_432delTCT).
Protein change: p.Ser144del; deletes serine 144.
Molecular consequence: inframe deletion.
Genome position (GRCh38, 1-based): chr5:80,665,214-80,665,216, TCT deleted; deleting any 3 consecutive bases within chr5:80,665,213-80,665,216 gives the same sequence; the c. name uses the placement nearest the transcript's 3' end. VCF-style (leftmost placement, unchanged base first): chr5-80665212-ATTC-A. GRCh37 (hg19) VCF-style: chr5-79961031-ATTC-A.
Other names: short protein forms S144del.
Identifiers: ClinVar variation 4726317 (VCV004726317.1).

ClinVar aggregate classification (germline): Uncertain significance (1 of 4 stars; one submission).

Submission:

Labcorp Genetics (formerly Invitae), Labcorp
Classification: Uncertain significance. Last evaluated: 2025-08-30. Review status: criteria provided, single submitter. Criteria: Invitae Variant Classification Sherloc (09022015). Collection method: clinical testing. Allele origin: germline.
Comment: This variant, c.430_432del, results in the deletion of 1 amino acid(s) of the MSH3 protein (p.Ser144del), but otherwise preserves the integrity of the reading frame. This variant is not present in population databases (gnomAD no frequency). This variant has not been reported in the literature in individuals affected with MSH3-related conditions. Experimental studies and prediction algorithms are not available or were not evaluated, and the functional significance of this variant is currently unknown. In summary, the available evidence is currently insufficient to determine the role of this variant in disease. Therefore, it has been classified as a Variant of Uncertain Significance.